The following is an entry in ClinVar:

ClinVar aggregate classification (germline): Uncertain significance. Review status: criteria provided, multiple submitters, no conflicts (2 of 4 stars). 2 submissions from 2 submitters: Uncertain significance (2). Last evaluated 2025-07-15.

Allele frequency attached by ClinVar (database versions not stated): ESP Exome Variant Server 0.00008; gnomAD exomes 0.00012; 1000 Genomes Project 30x 0.00016; TOPMed 0.00026; ExAC 0.00015; gnomAD 0.00017; 1000 Genomes Project 0.00020.
gnomAD v4.1: 211 of 1,590,742 alleles (0.013%); highest among the groups gnomAD compares: Admixed American, 0.072%; no homozygotes.

Submissions (2):

GeneDx
Classification: Uncertain significance. Last evaluated: 2025-07-15. Review status: criteria provided, single submitter. Criteria: GeneDx Variant Classification Process June 2021. Collection method: clinical testing. Allele origin: germline.
Comment: In silico analysis supports that this missense variant has a deleterious effect on protein structure/function; Has not been previously published as pathogenic or benign to our knowledge

Ambry Genetics
Classification: Uncertain significance. Last evaluated: 2021-08-10. Review status: criteria provided, single submitter. Criteria: Ambry Variant Classification Scheme 2023. Collection method: clinical testing. Allele origin: germline.

NM_001813.3(CENPE):c.2513A>G (p.Glu838Gly)

Gene: CENPE (centromere protein E; minus strand). Cytogenetic location: 4q24.
Variant type: single nucleotide variant.
Coding change: c.2513A>G on transcript NM_001813.3 (MANE Select); coding-DNA position 2513, A replaced by G.
Protein change: p.Glu838Gly; replaces glutamic acid 838 with glycine.
Molecular consequence: missense variant.
Genome position (GRCh38, 1-based): chr4:103,159,098, T>C on the plus strand (A>G on the coding strand, the complement: CENPE is on the minus strand). VCF-style: chr4-103159098-T-C. GRCh37 (hg19) VCF-style: chr4-104080255-T-C.
Other names: c.2438A>G, p.Glu813Gly (NM_001286734.2); short protein forms E838G, E813G.
Identifiers: ClinVar variation 3142279 (VCV003142279.3), dbSNP rs375435042, ClinGen allele CA3030272.